The following is an entry in ClinVar:

NM_006031.6(PCNT):c.6197T>C (p.Leu2066Pro)

Gene: PCNT (pericentrin; plus strand). Cytogenetic location: 21q22.3.
Variant type: single nucleotide variant.
Coding change: c.6197T>C on transcript NM_006031.6 (MANE Select); coding-DNA position 6197, T replaced by C.
Protein change: p.Leu2066Pro; replaces leucine 2066 with proline.
Molecular consequence: missense variant.
Genome position (GRCh38, 1-based): chr21:46,416,115, T>C. VCF-style: chr21-46416115-T-C. GRCh37 (hg19) VCF-style: chr21-47836029-T-C.
Other names: c.5843T>C, p.Leu1948Pro (NM_001315529.2); short protein forms L1948P, L2066P.
Identifiers: ClinVar variation 4993417 (VCV004993417.1).
Genomic context (GRCh38, chr21:46,416,115, plus strand): 5'-TGTTTCACCTGCAGGGTAAAGAAAAAGTACTGGAAGATTGTCAGCTGCCGAAGGTCGATC[T>C]CGTAGCTCAGGTGAAACAGCTTCAGGAAAAACTGAACCGTTTGCTGTATTCCATGACCTT-3'
Protein context (NP_006022.3, residues 2056-2076): LEDCQLPKVD[Leu2066Pro]VAQVKQLQEK

ClinVar aggregate classification (germline): Uncertain significance (1 of 4 stars; one submission).

Conditions:
PCNT-related disorder. Also called: PCNT-related condition.

Submission:

PreventionGenetics, part of Exact Sciences
Classification: Uncertain significance for PCNT-related condition. Last evaluated: 2026-06-23. Review status: criteria provided, single submitter. Criteria: ACMG Guidelines, 2015. Collection method: clinical testing. Allele origin: germline.
Comment: The PCNT c.6197T>C variant is predicted to result in the amino acid substitution p.Leu2066Pro. To our knowledge, this variant has not been reported in the literature or in a large population database (gnomAD), indicating this variant is rare. At this time, the clinical significance of this variant is uncertain due to the absence of conclusive functional and genetic evidence.